The following is an entry in ClinVar:

NM_001378454.1(ALMS1):c.9561C>T (p.Thr3187=)

Gene: ALMS1 (ALMS1 centrosome and basal body associated protein; plus strand). Cytogenetic location: 2p13.1.
Variant type: single nucleotide variant.
Coding change: c.9561C>T on transcript NM_001378454.1 (MANE Select); coding-DNA position 9561, C replaced by T.
Protein change: p.Thr3187=; no amino-acid change (threonine 3187 retained).
Molecular consequence: synonymous variant.
Genome position (GRCh38, 1-based): chr2:73,519,796, C>T. VCF-style: chr2-73519796-C-T. GRCh37 (hg19) VCF-style: chr2-73746923-C-T.
Other names: c.9564C>T, p.Thr3188= (NM_015120.4).
Identifiers: ClinVar variation 383763 (VCV000383763.26), dbSNP rs11884776, ClinGen allele CA1714698.

ClinVar aggregate classification (germline): Benign. Review status: criteria provided, multiple submitters, no conflicts (2 of 4 stars). 10 submissions from 10 submitters: Benign (7). 3 of the submissions do not count toward it. Last evaluated 2026-02-04.

Conditions:
Cardiovascular phenotype. Identifiers: MedGen CN230736.
Alstrom syndrome (ALMS). Identifiers: Orphanet 64, MedGen C0268425, MONDO:0008763, OMIM 203800.

Allele frequency attached by ClinVar (database versions not stated): gnomAD exomes 0.21236 and 0.22145; ExAC 0.21691; 1000 Genomes Project 0.25679; 1000 Genomes Project 30x 0.26593; gnomAD 0.29353 and 0.30410; ESP Exome Variant Server 0.30375; TOPMed 0.30398.
gnomAD v4.1: 367,785 of 1,613,364 alleles (23%); highest among the groups gnomAD compares: African/African-American, 50%; 46,481 homozygotes.

Submissions (10):

Labcorp Genetics (formerly Invitae), Labcorp
Classification: Benign for Alstrom syndrome. Last evaluated: 2026-02-04. Review status: criteria provided, single submitter. Criteria: Invitae Variant Classification Sherloc (09022015). Collection method: clinical testing. Allele origin: germline.

Blueprint Genetics
Classification: Benign. Last evaluated: 2024-11-26. Review status: criteria provided, single submitter. Criteria: ACMG Guidelines, 2015. Collection method: clinical testing. Allele origin: germline.

Genome-Nilou Lab
Classification: Benign for Alstrom syndrome. Last evaluated: 2021-07-14. Review status: criteria provided, single submitter. Criteria: ACMG Guidelines, 2015. Collection method: clinical testing. Allele origin: germline. Affected: no.

Ambry Genetics
Classification: Benign for Cardiovascular phenotype. Last evaluated: 2018-12-21. Review status: criteria provided, single submitter. Criteria: Ambry Variant Classification Scheme 2023. Collection method: clinical testing. Allele origin: germline.

GeneDx
Classification: Benign. Last evaluated: 2016-09-09. Review status: criteria provided, single submitter. Criteria: GeneDx Variant Classification (06012015). Collection method: clinical testing. Allele origin: germline. Affected: yes.
Comment: This variant is considered likely benign or benign based on one or more of the following criteria: it is a conservative change, it occurs at a poorly conserved position in the protein, it is predicted to be benign by multiple in silico algorithms, and/or has population frequency not consistent with disease.

Laboratory for Molecular Medicine, Mass General Brigham Personalized Medicine
Classification: Benign. Last evaluated: 2016-03-21. Review status: criteria provided, single submitter. Criteria: LMM Criteria. Collection method: clinical testing. Allele origin: germline. Observed: 116 variant alleles.
Comment: p.Thr3186Thr in exon 11 of ALMS1: This variant is not expected to have clinical significance because it does not alter an amino acid residue, is not located wit hin the splice consensus sequence, and has been identified in 57.41% (759/1322) of African chromosomes by the 1000 Genomes Project (Phase 3; dbSNP rs11884776).

Breakthrough Genomics
Classification: Benign. Review status: criteria provided, single submitter. Criteria: ACMG Guidelines, 2015. Collection method: not provided. Allele origin: germline. Inheritance: Autosomal recessive inheritance. Affected: yes.

Natera, Inc.
Classification: Benign for Alstrom syndrome. Last evaluated: 2020-09-16. Review status: no assertion criteria provided. Collection method: clinical testing. Allele origin: germline. Not counted in ClinVar's aggregate classification.

Clinical Genetics, Academic Medical Center
Classification: Benign. Review status: no assertion criteria provided. Collection method: clinical testing. Allele origin: germline. Affected: yes. Study: VKGL Data-share Consensus. Not counted in ClinVar's aggregate classification.

Diagnostic Laboratory, Department of Genetics, University Medical Center Groningen
Classification: Benign. Review status: no assertion criteria provided. Collection method: clinical testing. Allele origin: germline. Affected: yes. Study: VKGL Data-share Consensus. Not counted in ClinVar's aggregate classification.